The following is an entry in ClinVar:

ClinVar aggregate classification (germline): Uncertain significance (1 of 4 stars; one submission).

Allele frequency attached by ClinVar (database versions not stated): TOPMed below 0.00001; ExAC 0.00001; gnomAD 0.00001; gnomAD exomes 0.00001.
gnomAD v4.1: 6 of 1,613,794 alleles (0.00037%); highest among the groups gnomAD compares: Non-Finnish European, 0.00051%; no homozygotes.

Submission:

Labcorp Genetics (formerly Invitae), Labcorp
Classification: Uncertain significance. Last evaluated: 2022-03-04. Review status: criteria provided, single submitter. Criteria: Invitae Variant Classification Sherloc (09022015). Collection method: clinical testing. Allele origin: germline.
Comment: In summary, the available evidence is currently insufficient to determine the role of this variant in disease. Therefore, it has been classified as a Variant of Uncertain Significance. Algorithms developed to predict the effect of missense changes on protein structure and function are either unavailable or do not agree on the potential impact of this missense change (SIFT: "Deleterious"; PolyPhen-2: "Benign"; Align-GVGD: "Class C0"). This variant has not been reported in the literature in individuals affected with MYO5B-related conditions. This variant is present in population databases (rs775193741, gnomAD 0.0009%). This sequence change replaces proline, which is neutral and non-polar, with serine, which is neutral and polar, at codon 272 of the MYO5B protein (p.Pro272Ser).

NM_001080467.3(MYO5B):c.814C>T (p.Pro272Ser)

Gene: MYO5B (myosin VB; minus strand). Cytogenetic location: 18q21.1.
Variant type: single nucleotide variant.
Coding change: c.814C>T on transcript NM_001080467.3 (MANE Select); coding-DNA position 814, C replaced by T.
Protein change: p.Pro272Ser; replaces proline 272 with serine.
Molecular consequence: missense variant.
Genome position (GRCh38, 1-based): chr18:49,990,463, G>A on the plus strand (C>T on the coding strand, the complement: MYO5B is on the minus strand). VCF-style: chr18-49990463-G-A. GRCh37 (hg19) VCF-style: chr18-47516833-G-A.
Other names: short protein forms P272S.
Identifiers: ClinVar variation 2106978 (VCV002106978.4), dbSNP rs775193741, ClinGen allele CA8961767.
Genomic context (GRCh38, chr18:49,990,463, plus strand): 5'-CCACCCCAGAGGATAGGCATGCACCTGTTGACTTACTTAGTGCAAGCTCTTTAAATTCTG[G>A]AAGACCGGCAGCAGCACAGAGCTGGTAAAAGATGTGGTAATTCCTCTCATCATCTGCCTG-3'
Protein context (NP_001073936.1, residues 262-282): FYQLCAAAGL[Pro272Ser]EFKELALTSA